The following is an entry in ClinVar:

ClinVar aggregate classification (germline): Uncertain significance (1 of 4 stars; one submission).

Conditions:
Familial hemophagocytic lymphohistiocytosis 2 (FHL2). Also called: PRF1-Related Familial Hemophagocytic Lymphohistiocytosis (PRF1-fHLH). Identifiers: Orphanet 540, MedGen C1863727, MONDO:0011337, OMIM 603553.

Allele frequency attached by ClinVar (database versions not stated): gnomAD exomes below 0.00001; TOPMed 0.00001; gnomAD 0.00002.

Submission:

Labcorp Genetics (formerly Invitae), Labcorp
Classification: Uncertain significance for Familial hemophagocytic lymphohistiocytosis 2. Last evaluated: 2022-03-06. Review status: criteria provided, single submitter. Criteria: Invitae Variant Classification Sherloc (09022015). Collection method: clinical testing. Allele origin: germline.
Comment: This sequence change replaces alanine, which is neutral and non-polar, with valine, which is neutral and non-polar, at codon 276 of the PRF1 protein (p.Ala276Val). This variant is present in population databases (no rsID available, gnomAD 0.01%). This variant has not been reported in the literature in individuals affected with PRF1-related conditions. Algorithms developed to predict the effect of missense changes on protein structure and function output the following: SIFT: "Tolerated"; PolyPhen-2: "Benign"; Align-GVGD: "Class C0". The valine amino acid residue is found in multiple mammalian species, which suggests that this missense change does not adversely affect protein function. In summary, the available evidence is currently insufficient to determine the role of this variant in disease. Therefore, it has been classified as a Variant of Uncertain Significance.

NM_001083116.3(PRF1):c.827C>T (p.Ala276Val)

Gene: PRF1 (perforin 1; minus strand). Cytogenetic location: 10q22.1.
Variant type: single nucleotide variant.
Coding change: c.827C>T on transcript NM_001083116.3 (MANE Select); coding-DNA position 827, C replaced by T.
Protein change: p.Ala276Val; replaces alanine 276 with valine.
Molecular consequence: missense variant.
Genome position (GRCh38, 1-based): chr10:70,598,894, G>A on the plus strand (C>T on the coding strand, the complement: PRF1 is on the minus strand). VCF-style: chr10-70598894-G-A. GRCh37 (hg19) VCF-style: chr10-72358650-G-A.
Other names: c.827C>T, p.Ala276Val (NM_005041.6); short protein forms A276V.
Identifiers: ClinVar variation 2415200 (VCV002415200.3), dbSNP rs1473909749, ClinGen allele CA376958296.